The following is an entry in ClinVar:

NM_018124.4(RFWD3):c.490G>A (p.Gly164Arg)

Gene: RFWD3 (ring finger and WD repeat domain 3; minus strand). Cytogenetic location: 16q23.1.
Variant type: single nucleotide variant.
Coding change: c.490G>A on transcript NM_018124.4 (MANE Select); coding-DNA position 490, G replaced by A.
Protein change: p.Gly164Arg; replaces glycine 164 with arginine.
Molecular consequence: missense variant. On other transcripts: 5 prime UTR variant (4), intron variant (1).
Genome position (GRCh38, 1-based): chr16:74,660,960, C>T on the plus strand (G>A on the coding strand, the complement: RFWD3 is on the minus strand). VCF-style: chr16-74660960-C-T. GRCh37 (hg19) VCF-style: chr16-74694858-C-T.
Other names: c.490G>A, p.Gly164Arg (NM_001370534.1, NM_001370535.1, NM_001370536.1); c.-519G>A (NM_001370537.1); c.-142G>A (NM_001370539.1, NM_001370541.1); c.-396G>A (NM_001370542.1); c.-274G>A (NM_001370543.1); c.-317+3664G>A (NM_001370540.1); short protein forms G164R.
Identifiers: ClinVar variation 3017565 (VCV003017565.3), dbSNP rs145324335, ClinGen allele CA8169566.

ClinVar aggregate classification (germline): Uncertain significance (1 of 4 stars; one submission).

Allele frequency attached by ClinVar (database versions not stated): gnomAD 0.00003; ExAC 0.00004; TOPMed 0.00002; ESP Exome Variant Server 0.00015.
gnomAD v4.1: 84 of 1,613,742 alleles (0.0052%); highest among the groups gnomAD compares: Middle Eastern, 0.033%; no homozygotes.

Submission:

Labcorp Genetics (formerly Invitae), Labcorp
Classification: Uncertain significance. Last evaluated: 2025-10-22. Review status: criteria provided, single submitter. Criteria: Invitae Variant Classification Sherloc (09022015). Collection method: clinical testing. Allele origin: germline.
Comment: This sequence change replaces glycine, which is neutral and non-polar, with arginine, which is basic and polar, at codon 164 of the RFWD3 protein (p.Gly164Arg). This variant is present in population databases (rs145324335, gnomAD 0.03%). This variant has not been reported in the literature in individuals affected with RFWD3-related conditions. ClinVar contains an entry for this variant (Variation ID: 3017565). An algorithm developed to predict the effect of missense changes on protein structure and function (PolyPhen-2) suggests that this variant is likely to be tolerated. In summary, the available evidence is currently insufficient to determine the role of this variant in disease. Therefore, it has been classified as a Variant of Uncertain Significance.